The following is an entry in ClinVar:

NM_006231.4(POLE):c.5498A>T (p.His1833Leu)

Gene: POLE (DNA polymerase epsilon, catalytic subunit; minus strand). Cytogenetic location: 12q24.33.
Variant type: single nucleotide variant.
Coding change: c.5498A>T on transcript NM_006231.4 (MANE Select); coding-DNA position 5498, A replaced by T.
Protein change: p.His1833Leu; replaces histidine 1833 with leucine.
Molecular consequence: missense variant.
Genome position (GRCh38, 1-based): chr12:132,639,179, T>A on the plus strand (A>T on the coding strand, the complement: POLE is on the minus strand). VCF-style: chr12-132639179-T-A. GRCh37 (hg19) VCF-style: chr12-133215765-T-A.
Other names: c.5498A>T (NM_006231.2); short protein forms H1833L.
Identifiers: ClinVar variation 1054995 (VCV001054995.10), dbSNP rs1296239115, ClinGen allele CA387374644.

ClinVar aggregate classification (germline): Uncertain significance. Review status: criteria provided, multiple submitters, no conflicts (2 of 4 stars). 2 submissions from 2 submitters: Uncertain significance (2). Last evaluated 2024-12-31.

Conditions:
Hereditary cancer-predisposing syndrome. Also called: Hereditary Cancer Syndrome; Tumor predisposition; Hereditary neoplastic syndrome; Neoplastic Syndromes, Hereditary. Identifiers: Orphanet 140162, MedGen C0027672, MeSH D009386, MONDO:0015356.

Submissions (2):

Ambry Genetics
Classification: Uncertain significance for Hereditary cancer-predisposing syndrome. Last evaluated: 2024-12-31. Review status: criteria provided, single submitter. Criteria: Ambry Variant Classification Scheme 2023. Collection method: clinical testing. Allele origin: germline.
Comment: The p.H1833L variant (also known as c.5498A>T), located in coding exon 40 of the POLE gene, results from an A to T substitution at nucleotide position 5498. The histidine at codon 1833 is replaced by leucine, an amino acid with similar properties. This amino acid position is not well conserved in available vertebrate species. In addition, the in silico prediction for this alteration is inconclusive. Based on the available evidence, the clinical significance of this variant remains unclear.

Labcorp Genetics (formerly Invitae), Labcorp
Classification: Uncertain significance. Last evaluated: 2020-07-09. Review status: criteria provided, single submitter. Criteria: Invitae Variant Classification Sherloc (09022015). Collection method: clinical testing. Allele origin: germline.
Comment: This sequence change replaces histidine with leucine at codon 1833 of the POLE protein (p.His1833Leu). The histidine residue is weakly conserved and there is a moderate physicochemical difference between histidine and leucine. This variant is not present in population databases (ExAC no frequency). This variant has not been reported in the literature in individuals with POLE-related conditions. Algorithms developed to predict the effect of missense changes on protein structure and function (SIFT, PolyPhen-2, Align-GVGD) all suggest that this variant is likely to be tolerated, but these predictions have not been confirmed by published functional studies and their clinical significance is uncertain. In summary, the available evidence is currently insufficient to determine the role of this variant in disease. Therefore, it has been classified as a Variant of Uncertain Significance.